The following is an entry in ClinVar:

ClinVar aggregate classification (germline): Uncertain significance (1 of 4 stars; one submission).

Submission:

GeneDx
Classification: Uncertain significance. Last evaluated: 2025-06-24. Review status: criteria provided, single submitter. Criteria: GeneDx Variant Classification Process June 2021. Collection method: clinical testing. Allele origin: germline. Affected: yes.
Comment: Not observed at significant frequency in large population cohorts (gnomAD); In silico analysis suggests that this missense variant does not alter protein structure/function; Has not been previously published as pathogenic or benign to our knowledge

NM_014991.6(WDFY3):c.5293A>G (p.Lys1765Glu)

Gene: WDFY3 (WD repeat and FYVE domain containing 3; minus strand). Cytogenetic location: 4q21.23.
Variant type: single nucleotide variant.
Coding change: c.5293A>G on transcript NM_014991.6 (MANE Select); coding-DNA position 5293, A replaced by G.
Protein change: p.Lys1765Glu; replaces lysine 1765 with glutamic acid.
Molecular consequence: missense variant.
Genome position (GRCh38, 1-based): chr4:84,757,057, T>C on the plus strand (A>G on the coding strand, the complement: WDFY3 is on the minus strand). VCF-style: chr4-84757057-T-C. GRCh37 (hg19) VCF-style: chr4-85678210-T-C.
Other names: short protein forms K1765E.
Identifiers: ClinVar variation 4540391 (VCV004540391.1).